The following is an entry in ClinVar:

NM_004655.4(AXIN2):c.743T>G (p.Val248Gly)

Gene: AXIN2 (axin 2; minus strand). Cytogenetic location: 17q24.1.
Variant type: single nucleotide variant.
Coding change: c.743T>G on transcript NM_004655.4 (MANE Select); coding-DNA position 743, T replaced by G.
Protein change: p.Val248Gly; replaces valine 248 with glycine.
Molecular consequence: missense variant.
Genome position (GRCh38, 1-based): chr17:65,557,878, A>C on the plus strand (T>G on the coding strand, the complement: AXIN2 is on the minus strand). VCF-style: chr17-65557878-A-C. GRCh37 (hg19) VCF-style: chr17-63553996-A-C.
Other names: c.743T>G, p.Val248Gly (NM_001363813.1); c.743T>G (LRG_296t1); short protein forms V248G.
Identifiers: ClinVar variation 533212 (VCV000533212.12), dbSNP rs1555583211, ClinGen allele CA400680366.

ClinVar aggregate classification (germline): Uncertain significance. Review status: criteria provided, multiple submitters, no conflicts (2 of 4 stars). 2 submissions from 2 submitters: Uncertain significance (2). Last evaluated 2024-11-15.

Conditions:
Hereditary cancer-predisposing syndrome. Also called: Hereditary neoplastic syndrome; Neoplastic Syndromes, Hereditary; Tumor predisposition; Hereditary Cancer Syndrome. Identifiers: Orphanet 140162, MedGen C0027672, MeSH D009386, MONDO:0015356.
Oligodontia-cancer predisposition syndrome. Also called: TOOTH AGENESIS-COLORECTAL CANCER SYNDROME. Identifiers: Orphanet 300576, MedGen C1837750, MONDO:0012075, OMIM 608615. Disease mechanism: loss of function.

Allele frequency attached by ClinVar (database versions not stated): gnomAD exomes below 0.00001; TOPMed below 0.00001; gnomAD 0.00001.
gnomAD v4.1: 2 of 1,614,084 alleles (0.00012%); highest among the groups gnomAD compares: Non-Finnish European, 0.00017%; no homozygotes.

Submissions (2):

Ambry Genetics
Classification: Uncertain significance for Hereditary cancer-predisposing syndrome. Last evaluated: 2024-11-15. Review status: criteria provided, single submitter. Criteria: Ambry Variant Classification Scheme 2023. Collection method: clinical testing. Allele origin: germline.
Comment: The p.V248G variant (also known as c.743T>G), located in coding exon 1 of the AXIN2 gene, results from a T to G substitution at nucleotide position 743. The valine at codon 248 is replaced by glycine, an amino acid with dissimilar properties. This amino acid position is well conserved in available vertebrate species. In addition, the in silico prediction for this alteration is inconclusive. Since supporting evidence is limited at this time, the clinical significance of this alteration remains unclear.

Labcorp Genetics (formerly Invitae), Labcorp
Classification: Uncertain significance for Oligodontia-cancer predisposition syndrome. Last evaluated: 2024-02-17. Review status: criteria provided, single submitter. Criteria: Invitae Variant Classification Sherloc (09022015). Collection method: clinical testing. Allele origin: germline.
Comment: This sequence change replaces valine, which is neutral and non-polar, with glycine, which is neutral and non-polar, at codon 248 of the AXIN2 protein (p.Val248Gly). This variant is not present in population databases (gnomAD no frequency). This variant has not been reported in the literature in individuals affected with AXIN2-related conditions. ClinVar contains an entry for this variant (Variation ID: 533212). Advanced modeling of protein sequence and biophysical properties (such as structural, functional, and spatial information, amino acid conservation, physicochemical variation, residue mobility, and thermodynamic stability) performed at Invitae indicates that this missense variant is not expected to disrupt AXIN2 protein function with a negative predictive value of 80%. In summary, the available evidence is currently insufficient to determine the role of this variant in disease. Therefore, it has been classified as a Variant of Uncertain Significance.